The following is an entry in ClinVar:

ClinVar aggregate classification (germline): Benign (1 of 4 stars; one submission).

Submission:

Unidad de Genómica Garrahan, Hospital de Pediatría Garrahan
Classification: Benign. Last evaluated: 2023-11-14. Review status: criteria provided, single submitter. Criteria: ACMG Guidelines, 2015. Collection method: clinical testing. Allele origin: germline. Affected: no. Observed: 57 variant alleles.
Comment: This variant is classified as Benign based on local population frequency. This variant was detected in 59% of patients studied by a panel of primary immunodeficiencies. Number of patients: 57. Only high quality variants are reported.

NC_000003.12:g.196027293A>G

Variant type: single nucleotide variant.
Genome position: GRCh38 VCF-style: chr3-196027293-A-G. GRCh37 (hg19) VCF-style: chr3-195754164-A-G.
Identifiers: ClinVar variation 2637875 (VCV002637875.2), dbSNP rs6782834, ClinGen allele CA2777662.